The following is an entry in ClinVar:

ClinVar aggregate classification (germline): Likely benign (1 of 4 stars; one submission).

gnomAD v4.1: 1,501 of 1,561,270 alleles (0.096%); highest among the groups gnomAD compares: Non-Finnish European, 0.12%; 4 homozygotes.

Submission:

CeGaT Center for Human Genetics Tuebingen
Classification: Likely benign. Last evaluated: 2026-05-01. Review status: criteria provided, single submitter. Criteria: CeGaT Center For Human Genetics Tuebingen Variant Classification Criteria Version 2. Collection method: clinical testing. Allele origin: germline. Affected: yes. Observed: 2 variant alleles.
Comment: EMILIN2: BP4, BP7

NM_032048.3(EMILIN2):c.435T>C (p.Asp145=)

Gene: EMILIN2 (elastin microfibril interfacer 2; plus strand). Cytogenetic location: 18p11.32.
Variant type: single nucleotide variant.
Coding change: c.435T>C on transcript NM_032048.3 (MANE Select); coding-DNA position 435, T replaced by C.
Protein change: p.Asp145=; no amino-acid change (aspartic acid 145 retained).
Molecular consequence: synonymous variant.
Genome position (GRCh38, 1-based): chr18:2,890,562, T>C. VCF-style: chr18-2890562-T-C. GRCh37 (hg19) VCF-style: chr18-2890560-T-C.
Identifiers: ClinVar variation 4083789 (VCV004083789.8).